The following is an entry in ClinVar:

NM_000496.3(CRYBB2):c.565C>T (p.Arg189Cys)

Gene: CRYBB2 (crystallin beta B2; plus strand). Cytogenetic location: 22q11.23.
Variant type: single nucleotide variant.
Coding change: c.565C>T on transcript NM_000496.3 (MANE Select); coding-DNA position 565, C replaced by T.
Protein change: p.Arg189Cys; replaces arginine 189 with cysteine.
Molecular consequence: missense variant.
Genome position (GRCh38, 1-based): chr22:25,231,719, C>T. VCF-style: chr22-25231719-C-T. GRCh37 (hg19) VCF-style: chr22-25627686-C-T.
Other names: c.565C>T (NM_000496.2); short protein forms R189C.
Identifiers: ClinVar variation 3253727 (VCV003253727.3).
Genomic context (GRCh38, chr22:25,231,719, plus strand): 5'-GGAGACTACAAGGACAGCAGCGACTTTGGGGCCCCTCACCCCCAGGTGCAGTCCGTGCGC[C>T]GTATCCGCGACATGCAGTGGCACCAACGTGGTGCCTTCCACCCCTCCAACTAGTGCCCTC-3'
Protein context (NP_000487.1, residues 179-199): APHPQVQSVR[Arg189Cys]IRDMQWHQRG

ClinVar aggregate classification (germline): Uncertain significance. Review status: criteria provided, multiple submitters, no conflicts (2 of 4 stars). 2 submissions from 2 submitters: Uncertain significance (2). Last evaluated 2026-07-27.

Conditions:
Cataract 3 multiple types. Also called: CATARACT 3, MULTIPLE TYPES, WITH OR WITHOUT MICROCORNEA. Identifiers: Orphanet 1377, MedGen C1832175, MONDO:0011104, OMIM 601547.
CRYBB2-related disorder. Also called: CRYBB2-related condition.

gnomAD v4.1: 20 of 1,614,004 alleles (0.0012%); highest among the groups gnomAD compares: African/African-American, 0.0053%; no homozygotes.

Submissions (2):

PreventionGenetics, part of Exact Sciences
Classification: Uncertain significance for CRYBB2-related condition. Last evaluated: 2026-07-27. Review status: criteria provided, single submitter. Criteria: ACMG Guidelines, 2015. Collection method: clinical testing. Allele origin: germline.
Comment: The CRYBB2 c.565C>T variant is predicted to result in the amino acid substitution p.Arg189Cys. This variant has been reported in the homozygous state in an individual with pediatric cataracts (Jones et al. 2025. PubMed ID: 40229141). This variant is present in 0.0054% of alleles in individuals of East Asian descent in gnomAD. At this time, the clinical significance of this variant is uncertain due to the absence of conclusive functional and genetic evidence.

Dept. Genetics and Cancer, Menzies Institute for Medical Research, University of Tasmania
Classification: Uncertain significance for Cataract 3 multiple types. Last evaluated: 2024-09-12. Review status: criteria provided, single submitter. Criteria: ACMG Guidelines, 2015. Collection method: research. Allele origin: germline. Affected: yes. Observed: 1 variant allele.
Comment: CRYBB2 NM_000496.3:c.565C>T p.(Arg189Cys) variant. ACMG-AMP criteria: PP3_Mod, PM1. Multiple lines of computational evidence suggest a deleterious effect (REVEL=0.786), located in a key functional domain (Greek Key motif).